The following is an entry in ClinVar:

NM_031407.7(HUWE1):c.3075T>G (p.Asp1025Glu)

Gene: HUWE1 (HECT, UBA and WWE domain containing E3 ubiquitin protein ligase 1; minus strand). Cytogenetic location: Xp11.22.
Variant type: single nucleotide variant.
Coding change: c.3075T>G on transcript NM_031407.7 (MANE Select); coding-DNA position 3075, T replaced by G.
Protein change: p.Asp1025Glu; replaces aspartic acid 1025 with glutamic acid.
Molecular consequence: missense variant.
Genome position (GRCh38, 1-based): chrX:53,600,206, A>C on the plus strand (T>G on the coding strand, the complement: HUWE1 is on the minus strand). VCF-style: chrX-53600206-A-C. GRCh37 (hg19) VCF-style: chrX-53627166-A-C.
Other names: c.3075T>G, p.Asp1025Glu (NM_001441048.1, NM_001441049.1, NM_001441051.1 and 6 more transcripts); c.3096T>G, p.Asp1032Glu (NM_001441050.1, NM_001441055.1); short protein forms D1025E, D1032E.
Identifiers: ClinVar variation 4530730 (VCV004530730.1).

ClinVar aggregate classification (germline): Uncertain significance (1 of 4 stars; one submission).

Submission:

GeneDx
Classification: Uncertain significance. Last evaluated: 2025-05-21. Review status: criteria provided, single submitter. Criteria: GeneDx Variant Classification Process June 2021. Collection method: clinical testing. Allele origin: germline. Affected: yes.
Comment: Not observed at significant frequency in large population cohorts (gnomAD); In silico analysis suggests that this missense variant does not alter protein structure/function; Has not been previously published as pathogenic or benign to our knowledge